The following is an entry in ClinVar:

ClinVar aggregate classification (germline): Benign (0 of 4 stars; one submission).

Conditions:
BRSK2-related disorder. Also called: BRSK2-related condition; BRSK2-Related Disorders.

Allele frequency attached by ClinVar (database versions not stated): gnomAD exomes 0.00870; ExAC 0.01892; gnomAD 0.03385; TOPMed 0.03646; ESP Exome Variant Server 0.03696; 1000 Genomes Project 30x 0.05137; 1000 Genomes Project 0.05212.
gnomAD v4.1: 18,101 of 1,612,404 alleles (1.1%); highest among the groups gnomAD compares: African/African-American, 11%; 580 homozygotes.

Submission:

PreventionGenetics, part of Exact Sciences
Classification: Benign for BRSK2-related condition. Last evaluated: 2019-05-21. Review status: no assertion criteria provided. Collection method: clinical testing. Allele origin: germline.
Comment: This variant is classified as benign based on ACMG/AMP sequence variant interpretation guidelines (Richards et al. 2015 PMID: 25741868, with internal and published modifications).

NM_001256627.2(BRSK2):c.1143A>G (p.Lys381=)

Gene: BRSK2 (BR serine/threonine kinase 2; plus strand). Cytogenetic location: 11p15.5.
Variant type: single nucleotide variant.
Coding change: c.1143A>G on transcript NM_001256627.2 (MANE Select); coding-DNA position 1143, A replaced by G.
Protein change: p.Lys381=; no amino-acid change (lysine 381 retained).
Molecular consequence: synonymous variant. On other transcripts: non-coding transcript variant (1).
Genome position (GRCh38, 1-based): chr11:1,445,824, A>G. VCF-style: chr11-1445824-A-G. GRCh37 (hg19) VCF-style: chr11-1467054-A-G.
Other names: c.1143A>G, p.Lys381= (NM_001256629.2, NM_003957.4); c.1281A>G, p.Lys427= (NM_001256630.1); c.963A>G, p.Lys321= (NM_001282218.2).
Identifiers: ClinVar variation 3041268 (VCV003041268.2), dbSNP rs34893167, ClinGen allele CA5810840.